The following is an entry in ClinVar:

ClinVar aggregate classification (germline): Uncertain significance (1 of 4 stars; one submission).

Submission:

GeneDx
Classification: Uncertain significance. Last evaluated: 2024-01-09. Review status: criteria provided, single submitter. Criteria: GeneDx Variant Classification Process June 2021. Collection method: clinical testing. Allele origin: germline. Affected: yes.
Comment: Has not been previously published as pathogenic or benign to our knowledge; Not observed at significant frequency in large population cohorts (gnomAD); In silico analysis supports that this missense variant has a deleterious effect on protein structure/function.

NM_003185.4(TAF4):c.2543A>G (p.Glu848Gly)

Gene: TAF4 (TATA-box binding protein associated factor 4; minus strand). Cytogenetic location: 20q13.33.
Variant type: single nucleotide variant.
Coding change: c.2543A>G on transcript NM_003185.4 (MANE Select); coding-DNA position 2543, A replaced by G.
Protein change: p.Glu848Gly; replaces glutamic acid 848 with glycine.
Molecular consequence: missense variant.
Genome position (GRCh38, 1-based): chr20:62,000,665, T>C on the plus strand (A>G on the coding strand, the complement: TAF4 is on the minus strand). VCF-style: chr20-62000665-T-C. GRCh37 (hg19) VCF-style: chr20-60575721-T-C.
Other names: short protein forms E848G.
Identifiers: ClinVar variation 3367308 (VCV003367308.1).